The following is an entry in ClinVar:

ClinVar aggregate classification (germline): Uncertain significance (1 of 4 stars; one submission).

Conditions:
Inborn genetic diseases. Identifiers: MedGen C0950123, MeSH D030342.

Submission:

Ambry Genetics
Classification: Uncertain significance for Inborn genetic diseases. Last evaluated: 2024-04-22. Review status: criteria provided, single submitter. Criteria: Ambry Variant Classification Scheme 2023. Collection method: clinical testing. Allele origin: germline.
Comment: The p.L791F variant (also known as c.2373A>C), located in coding exon 18 of the BUB1B gene, results from an A to C substitution at nucleotide position 2373. The leucine at codon 791 is replaced by phenylalanine, an amino acid with highly similar properties. This amino acid position is conserved. In addition, this alteration is predicted to be tolerated by in silico analysis. Based on the available evidence, the clinical significance of this variant remains unclear.

NM_001211.6(BUB1B):c.2373A>C (p.Leu791Phe)

Gene: BUB1B (BUB1 mitotic checkpoint serine/threonine kinase B; plus strand). Cytogenetic location: 15q15.1.
Variant type: single nucleotide variant.
Coding change: c.2373A>C on transcript NM_001211.6 (MANE Select); coding-DNA position 2373, A replaced by C.
Protein change: p.Leu791Phe; replaces leucine 791 with phenylalanine.
Molecular consequence: missense variant.
Genome position (GRCh38, 1-based): chr15:40,210,198, A>C. VCF-style: chr15-40210198-A-C. GRCh37 (hg19) VCF-style: chr15-40502399-A-C.
Other names: short protein forms L791F.
Identifiers: ClinVar variation 3262243 (VCV003262243.1).